The following is an entry in ClinVar:

ClinVar aggregate classification (germline): Uncertain significance. Review status: criteria provided, multiple submitters, no conflicts (2 of 4 stars). 3 submissions from 3 submitters: Uncertain significance (3). Last evaluated 2023-12-09.

Conditions:
Retinitis pigmentosa (RP). Identifiers: Orphanet 791, MedGen C0035334, MeSH D012174, MONDO:0019200, OMIM 268000. Inheritance: Autosomal dominant, autosomal recessive and X linked inheritance.

Allele frequency attached by ClinVar (database versions not stated): TOPMed 0.00002; ExAC 0.00003.
gnomAD v4.1: 13 of 1,574,052 alleles (0.00083%); highest among the groups gnomAD compares: Admixed American, 0.0019%; no homozygotes.

Submissions (3):

Labcorp Genetics (formerly Invitae), Labcorp
Classification: Uncertain significance. Last evaluated: 2023-12-09. Review status: criteria provided, single submitter. Criteria: Invitae Variant Classification Sherloc (09022015). Collection method: clinical testing. Allele origin: germline.
Comment: This sequence change replaces arginine, which is basic and polar, with glutamine, which is neutral and polar, at codon 210 of the CNGB1 protein (p.Arg210Gln). The frequency data for this variant in the population databases is considered unreliable, as metrics indicate poor data quality at this position in the gnomAD database. This variant has not been reported in the literature in individuals affected with CNGB1-related conditions. ClinVar contains an entry for this variant (Variation ID: 887304). Advanced modeling of protein sequence and biophysical properties (such as structural, functional, and spatial information, amino acid conservation, physicochemical variation, residue mobility, and thermodynamic stability) performed at Invitae indicates that this missense variant is not expected to disrupt CNGB1 protein function with a negative predictive value of 95%. In summary, the available evidence is currently insufficient to determine the role of this variant in disease. Therefore, it has been classified as a Variant of Uncertain Significance.

Blueprint Genetics
Classification: Uncertain significance. Last evaluated: 2022-11-18. Review status: criteria provided, single submitter. Criteria: ACMG Guidelines, 2015. Collection method: clinical testing. Allele origin: germline.

Illumina Laboratory Services, Illumina
Classification: Uncertain significance for Retinitis pigmentosa. Last evaluated: 2018-01-13. Review status: criteria provided, single submitter. Criteria: ICSL Variant Classification Criteria 13 December 2019. Collection method: clinical testing. Allele origin: germline.

NM_001297.5(CNGB1):c.629G>A (p.Arg210Gln)

Gene: CNGB1 (cyclic nucleotide gated channel subunit beta 1; minus strand). Cytogenetic location: 16q21.
Variant type: single nucleotide variant.
Coding change: c.629G>A on transcript NM_001297.5 (MANE Select); coding-DNA position 629, G replaced by A.
Protein change: p.Arg210Gln; replaces arginine 210 with glutamine.
Molecular consequence: missense variant.
Genome position (GRCh38, 1-based): chr16:57,960,020, C>T on the plus strand (G>A on the coding strand, the complement: CNGB1 is on the minus strand). VCF-style: chr16-57960020-C-T. GRCh37 (hg19) VCF-style: chr16-57993924-C-T.
Other names: c.629G>A, p.Arg210Gln (NM_001135639.2); c.611G>A, p.Arg204Gln (NM_001286130.2); short protein forms R204Q, R210Q.
Identifiers: ClinVar variation 887304 (VCV000887304.7), dbSNP rs759153238, ClinGen allele CA8083731.